The following is an entry in ClinVar:

NM_002633.3(PGM1):c.1312G>A (p.Ala438Thr)

Gene: PGM1 (phosphoglucomutase 1; plus strand). Cytogenetic location: 1p31.3.
Variant type: single nucleotide variant.
Coding change: c.1312G>A on transcript NM_002633.3 (MANE Select); coding-DNA position 1312, G replaced by A.
Protein change: p.Ala438Thr; replaces alanine 438 with threonine.
Molecular consequence: missense variant.
Genome position (GRCh38, 1-based): chr1:63,651,700, G>A. VCF-style: chr1-63651700-G-A. GRCh37 (hg19) VCF-style: chr1-64117371-G-A.
Other names: c.1366G>A, p.Ala456Thr (NM_001172818.1); c.721G>A, p.Ala241Thr (NM_001172819.2); short protein forms A241T, A438T, A456T.
Identifiers: ClinVar variation 2200893 (VCV002200893.2), dbSNP rs201303497, ClinGen allele CA889810.

ClinVar aggregate classification (germline): Uncertain significance. Review status: criteria provided, multiple submitters, no conflicts (2 of 4 stars). 2 submissions from 2 submitters: Uncertain significance (2). Last evaluated 2022-05-20.

Conditions:
PGM1-congenital disorder of glycosylation. Also called: CDG It; GLYCOGEN STORAGE DISEASE XIV; GSD XIV; Congenital disorder of glycosylation type 1t; PHOSPHOGLUCOMUTASE 1 DEFICIENCY; PGM1 DEFICIENCY. Identifiers: Orphanet 319646, MedGen C2752015, MONDO:0013968, OMIM 614921.

Allele frequency attached by ClinVar (database versions not stated): gnomAD exomes 0.00001; gnomAD 0.00002; TOPMed 0.00002; ExAC 0.00005; 1000 Genomes Project 30x 0.00016; 1000 Genomes Project 0.00020.
gnomAD v4.1: 23 of 1,613,648 alleles (0.0014%); highest among the groups gnomAD compares: Middle Eastern, 0.017%; no homozygotes.

Submissions (2):

Labcorp Genetics (formerly Invitae), Labcorp
Classification: Uncertain significance for PGM1-congenital disorder of glycosylation. Last evaluated: 2022-05-20. Review status: criteria provided, single submitter. Criteria: Invitae Variant Classification Sherloc (09022015). Collection method: clinical testing. Allele origin: germline.
Comment: This sequence change replaces alanine, which is neutral and non-polar, with threonine, which is neutral and polar, at codon 438 of the PGM1 protein (p.Ala438Thr). This variant is present in population databases (rs201303497, gnomAD 0.007%). This variant has not been reported in the literature in individuals affected with PGM1-related conditions. Algorithms developed to predict the effect of missense changes on protein structure and function are either unavailable or do not agree on the potential impact of this missense change (SIFT: "Deleterious"; PolyPhen-2: "Possibly Damaging"; Align-GVGD: "Class C0"). In summary, the available evidence is currently insufficient to determine the role of this variant in disease. Therefore, it has been classified as a Variant of Uncertain Significance.

Breakthrough Genomics
Classification: Uncertain significance. Review status: criteria provided, single submitter. Criteria: ACMG Guidelines, 2015. Collection method: not provided. Allele origin: germline. Inheritance: Autosomal recessive inheritance. Affected: yes.